The following is an entry in ClinVar:

NM_177438.3(DICER1):c.1280_1283del (p.Lys427fs)

Gene: DICER1 (dicer 1, ribonuclease III; minus strand). Cytogenetic location: 14q32.13.
Variant type: Deletion.
Coding change: c.1280_1283del on transcript NM_177438.3 (MANE Select); coding-DNA positions 1280 to 1283, 4 bases deleted (AAGA; older notation c.1280_1283delAAGA).
Protein change: p.Lys427fs; shifts the reading frame from lysine 427.
Molecular consequence: frameshift variant.
Genome position (GRCh38, 1-based): chr14:95,124,289-95,124,292, TCTT deleted on the plus strand (AAGA on the coding strand, the reverse complement: DICER1 is on the minus strand); deleting any 4 consecutive bases within chr14:95,124,289-95,124,293 gives the same sequence; the c. name uses the placement nearest the transcript's 3' end. VCF-style (leftmost placement, unchanged base first): chr14-95124288-CTCTT-C. GRCh37 (hg19) VCF-style: chr14-95590625-CTCTT-C.
Other names: c.1280_1283delAAGA (NM_177438.2); c.1280_1283del, p.Lys427fs (NM_001195573.1, NM_001271282.3, NM_001291628.2 and 1 more transcripts); short protein forms K427fs.
Identifiers: ClinVar variation 658250 (VCV000658250.8), dbSNP rs1595438347, ClinGen allele CA915946417.

ClinVar aggregate classification (germline): Pathogenic (1 of 4 stars; one submission).

Conditions:
DICER1-related tumor predisposition. Also called: DICER1 syndrome; DICER1-related pleuropulmonary blastoma cancer predisposition syndrome. Identifiers: Orphanet 284343, MedGen C3839822, MONDO:0100216.

Submission:

Labcorp Genetics (formerly Invitae), Labcorp
Classification: Pathogenic for DICER1-related tumor predisposition. Last evaluated: 2018-11-06. Review status: criteria provided, single submitter. Criteria: Invitae Variant Classification Sherloc (09022015). Collection method: clinical testing. Allele origin: germline.
Comment: For these reasons, this variant has been classified as Pathogenic. Loss-of-function variants in DICER1 are known to be pathogenic (PMID: 19556464, 21266384). This variant has not been reported in the literature in individuals with DICER1-related disease. This variant is not present in population databases (ExAC no frequency). This sequence change creates a premature translational stop signal (p.Lys427Argfs*30) in the DICER1 gene. It is expected to result in an absent or disrupted protein product.

Literature cited by the submitters: PubMed 19556464; PubMed 21266384.